The following is an entry in ClinVar:

NM_000540.3(RYR1):c.3676G>A (p.Ala1226Thr)

Gene: RYR1 (ryanodine receptor 1; plus strand). Cytogenetic location: 19q13.2.
Variant type: single nucleotide variant.
Coding change: c.3676G>A on transcript NM_000540.3 (MANE Select); coding-DNA position 3676, G replaced by A.
Protein change: p.Ala1226Thr; replaces alanine 1226 with threonine.
Molecular consequence: missense variant.
Genome position (GRCh38, 1-based): chr19:38,469,424, G>A. VCF-style: chr19-38469424-G-A. GRCh37 (hg19) VCF-style: chr19-38960064-G-A.
Other names: c.3676G>A, p.Ala1226Thr (NM_001042723.2); short protein forms A1226T.
Identifiers: ClinVar variation 4686750 (VCV004686750.1).
Genomic context (GRCh38, chr19:38,469,424, plus strand): 5'-GACGTGAGCTCTCTGAGGTTCTTTGCCATCTGTGGCCTCCAGGAAGGCTTCGAGCCATTT[G>A]CCATCAACATGCAGCGCCCAGTCACCACCTGGTTCAGCAAAGGCCTGCCCCAGTTTGAGC-3'
Protein context (NP_000531.2, residues 1216-1236): CGLQEGFEPF[Ala1226Thr]INMQRPVTTW

ClinVar aggregate classification (germline): Uncertain significance (1 of 4 stars; one submission).

gnomAD v4.1: 1 of 1,614,108 alleles (0.000062%); highest among the groups gnomAD compares: Non-Finnish European, 0.000085%; no homozygotes.

Submission:

GeneDx
Classification: Uncertain significance. Last evaluated: 2025-07-21. Review status: criteria provided, single submitter. Criteria: GeneDx Variant Classification Process June 2021. Collection method: clinical testing. Allele origin: germline. Affected: yes.
Comment: Not observed at significant frequency in large population cohorts (gnomAD); In silico analysis supports that this missense variant has a deleterious effect on protein structure/function; Has not been previously published as pathogenic or benign to our knowledge